The following is an entry in ClinVar:

ClinVar aggregate classification (germline): Uncertain significance (1 of 4 stars; one submission).

Conditions:
Neuropathy, hereditary sensory and autonomic, type 2A (HSAN2A). Also called: ACROOSTEOLYSIS, GIACCAI TYPE; ACROOSTEOLYSIS, NEUROGENIC; WNK1-Related HSAN2 (HSAN2A); NEUROPATHY, HEREDITARY SENSORY RADICULAR, AUTOSOMAL RECESSIVE; MORVAN DISEASE; NEUROPATHY, CONGENITAL SENSORY. Identifiers: Orphanet 970, MedGen C2752089, MONDO:0024309, OMIM 201300.
Generalized epilepsy with febrile seizures plus, type 7 (GEFSP7). Also called: GEFS+, TYPE 7. Identifiers: Orphanet 36387, MedGen C2751778, MONDO:0013470, OMIM 613863.

Submission:

Labcorp Genetics (formerly Invitae), Labcorp
Classification: Uncertain significance for Neuropathy, hereditary sensory and autonomic, type 2A; Generalized epilepsy with febrile seizures plus, type 7. Last evaluated: 2025-06-04. Review status: criteria provided, single submitter. Criteria: Invitae Variant Classification Sherloc (09022015). Collection method: clinical testing. Allele origin: germline.
Comment: This sequence change replaces histidine, which is basic and polar, with leucine, which is neutral and non-polar, at codon 1058 of the SCN9A protein (p.His1058Leu). This variant is not present in population databases (gnomAD no frequency). This variant has not been reported in the literature in individuals affected with SCN9A-related conditions. Invitae Evidence Modeling of protein sequence and biophysical properties (such as structural, functional, and spatial information, amino acid conservation, physicochemical variation, residue mobility, and thermodynamic stability) indicates that this missense variant is not expected to disrupt SCN9A protein function with a negative predictive value of 95%. In summary, the available evidence is currently insufficient to determine the role of this variant in disease. Therefore, it has been classified as a Variant of Uncertain Significance.

NM_001365536.1(SCN9A):c.3206A>T (p.His1069Leu)

Genes: SCN1A-AS1 (SCN1A and SCN9A antisense RNA 1; plus strand), SCN9A (sodium voltage-gated channel alpha subunit 9; minus strand). Cytogenetic location: 2q24.3.
Variant type: single nucleotide variant.
Coding change: c.3206A>T on transcript NM_001365536.1 (MANE Select); coding-DNA position 3206, A replaced by T.
Protein change: p.His1069Leu; replaces histidine 1069 with leucine.
Molecular consequence: missense variant.
Genome position (GRCh38, 1-based): chr2:166,272,544, T>A on the plus strand (A>T on the coding strand, the complement: SCN9A is on the minus strand). VCF-style: chr2-166272544-T-A. GRCh37 (hg19) VCF-style: chr2-167129054-T-A.
Other names: c.3173A>T, p.His1058Leu (NM_002977.4); short protein forms H1069L, H1058L.
Identifiers: ClinVar variation 4783393 (VCV004783393.1).
Genomic context (GRCh38, chr2:166,272,544, plus strand): 5'-ACTGTCACTGTGAGGCTGGGATTGTGAATAAATGATTGACCATCACTGTCTTCCATCAAG[T>A]GTTTGTCCACGCTGCTTCCAAAACCACTGATTTTATCTTTTTCCTTGAGGAAATTGTGAC-3'
Protein context (NP_001352465.1, residues 1059-1079): ISGFGSSVDK[His1069Leu]LMEDSDGQSF